The following is an entry in ClinVar:

NM_015443.4(KANSL1):c.2816C>T (p.Pro939Leu)

Gene: KANSL1 (KAT8 regulatory NSL complex subunit 1). Cytogenetic location: 17q21.31.
Variant type: single nucleotide variant.
Coding change: c.2816C>T on transcript NM_015443.4 (MANE Select); coding-DNA position 2816, C replaced by T.
Protein change: p.Pro939Leu; replaces proline 939 with leucine.
Molecular consequence: missense variant.
Genome position (GRCh38, 1-based): chr17:46,033,101, G>A on the plus strand (C>T on the coding strand, the complement: KANSL1 is on the minus strand). VCF-style: chr17-46033101-G-A. GRCh37 (hg19) VCF-style: chr17-44110467-G-A.
Other names: c.2816C>T, p.Pro939Leu (NM_001405874.1, NM_001193466.2, NM_001379198.1 and 4 more transcripts); c.2627C>T, p.Pro876Leu (NM_001405875.1, NM_001405876.1, NM_001405877.1 and 1 more transcripts); c.2624C>T, p.Pro875Leu (NM_001405879.1, NM_001405880.1); c.2711C>T, p.Pro904Leu (NM_001405881.1, NM_001405861.1); c.1550C>T, p.Pro517Leu (NM_001405882.1); c.1547C>T, p.Pro516Leu (NM_001405883.1); c.1361C>T, p.Pro454Leu (NM_001405884.1); c.1358C>T, p.Pro453Leu (NM_001405885.1); and 2 more; short protein forms P516L, P876L, P904L, P453L, P454L, P938L, P517L, P875L.
Identifiers: ClinVar variation 2987754 (VCV002987754.3), dbSNP rs2510386888, ClinGen allele CA399987511.

ClinVar aggregate classification (germline): Uncertain significance (1 of 4 stars; one submission).

Conditions:
Koolen-de Vries syndrome (KDVS). Identifiers: Orphanet 96169, MedGen C1864871, MONDO:0012496, OMIM 610443.

Allele frequency attached by ClinVar (database versions not stated): gnomAD exomes below 0.00001.
gnomAD v4.1: 2 of 1,594,400 alleles (0.00013%); highest among the groups gnomAD compares: Non-Finnish European, 0.00017%; no homozygotes.

Submission:

Labcorp Genetics (formerly Invitae), Labcorp
Classification: Uncertain significance for Koolen-de Vries syndrome. Last evaluated: 2025-03-16. Review status: criteria provided, single submitter. Criteria: Invitae Variant Classification Sherloc (09022015). Collection method: clinical testing. Allele origin: germline.
Comment: This sequence change replaces proline, which is neutral and non-polar, with leucine, which is neutral and non-polar, at codon 939 of the KANSL1 protein (p.Pro939Leu). This variant is not present in population databases (gnomAD no frequency). This variant has not been reported in the literature in individuals affected with KANSL1-related conditions. ClinVar contains an entry for this variant (Variation ID: 2987754). Invitae Evidence Modeling of protein sequence and biophysical properties (such as structural, functional, and spatial information, amino acid conservation, physicochemical variation, residue mobility, and thermodynamic stability) indicates that this missense variant is not expected to disrupt KANSL1 protein function with a negative predictive value of 80%. In summary, the available evidence is currently insufficient to determine the role of this variant in disease. Therefore, it has been classified as a Variant of Uncertain Significance.